The following is an entry in ClinVar:

ClinVar aggregate classification (germline): Pathogenic (1 of 4 stars; one submission).

Conditions:
Joubert syndrome. Also called: CEREBELLOPARENCHYMAL DISORDER IV; JOUBERT-BOLTSHAUSER SYNDROME; Familial aplasia of the vermis. Identifiers: Orphanet 475, MedGen C5979921, MONDO:0018772.

Submission:

Labcorp Genetics (formerly Invitae), Labcorp
Classification: Pathogenic for Joubert syndrome. Last evaluated: 2022-08-08. Review status: criteria provided, single submitter. Criteria: Invitae Variant Classification Sherloc (09022015). Collection method: clinical testing. Allele origin: germline.
Comment: For these reasons, this variant has been classified as Pathogenic. This variant has not been reported in the literature in individuals affected with INPP5E-related conditions. This variant is not present in population databases (gnomAD no frequency). This sequence change creates a premature translational stop signal (p.Val443Aspfs*30) in the INPP5E gene. It is expected to result in an absent or disrupted protein product. Loss-of-function variants in INPP5E are known to be pathogenic (PMID: 19668216, 23034536, 23386033, 28125082).

Literature cited by the submitters: PubMed 19668216; PubMed 23034536; PubMed 23386033; PubMed 28125082.

NM_019892.6(INPP5E):c.1324_1327dup (p.Val443fs)

Gene: INPP5E (inositol polyphosphate-5-phosphatase E; minus strand). Cytogenetic location: 9q34.3.
Variant type: Duplication.
Coding change: c.1324_1327dup on transcript NM_019892.6 (MANE Select); coding-DNA positions 1324 to 1327, 4 bases duplicated (ACTG; older notation c.1324_1327dupACTG).
Protein change: p.Val443fs; shifts the reading frame from valine 443.
Molecular consequence: frameshift variant.
Genome position (GRCh38, 1-based): chr9:136,432,539-136,432,542, CAGT duplicated on the plus strand (ACTG on the coding strand, the reverse complement: INPP5E is on the minus strand); duplicating any 4 consecutive bases within chr9:136,432,539-136,432,543 gives the same sequence; the c. name uses the placement nearest the transcript's 3' end. VCF-style (leftmost placement, unchanged base first): chr9-136432538-A-ACAGT. GRCh37 (hg19) VCF-style: chr9-139326990-A-ACAGT.
Other names: c.1321_1324dup, p.Val442fs (NM_001318502.2); short protein forms V442fs, V443fs.
Identifiers: ClinVar variation 2020468 (VCV002020468.4), dbSNP rs2538876012, ClinGen allele CA2580081254.